The following is an entry in ClinVar:

NM_002471.4(MYH6):c.1854G>T (p.Met618Ile)

Gene: MYH6 (myosin heavy chain 6; minus strand). Cytogenetic location: 14q11.2.
Variant type: single nucleotide variant.
Coding change: c.1854G>T on transcript NM_002471.4 (MANE Select); coding-DNA position 1854, G replaced by T.
Protein change: p.Met618Ile; replaces methionine 618 with isoleucine.
Molecular consequence: missense variant.
Genome position (GRCh38, 1-based): chr14:23,398,765, C>A on the plus strand (G>T on the coding strand, the complement: MYH6 is on the minus strand). VCF-style: chr14-23398765-C-A. GRCh37 (hg19) VCF-style: chr14-23867974-C-A.
Other names: short protein forms M618I.
Identifiers: ClinVar variation 2452934 (VCV002452934.2), dbSNP rs751266021, ClinGen allele CA389019878.

ClinVar aggregate classification (germline): Uncertain significance (1 of 4 stars; one submission).

Conditions:
Cardiovascular phenotype. Identifiers: MedGen CN230736.

Submission:

Ambry Genetics
Classification: Uncertain significance for Cardiovascular phenotype. Last evaluated: 2023-02-27. Review status: criteria provided, single submitter. Criteria: Ambry Variant Classification Scheme 2023. Collection method: clinical testing. Allele origin: germline.
Comment: The p.M618I variant (also known as c.1854G>T), located in coding exon 13 of the MYH6 gene, results from a G to T substitution at nucleotide position 1854. The methionine at codon 618 is replaced by isoleucine, an amino acid with highly similar properties. This amino acid position is conserved. In addition, this alteration is predicted to be tolerated by in silico analysis. Since supporting evidence is limited at this time, the clinical significance of this alteration remains unclear.